The following is an entry in ClinVar:

NM_000165.5(GJA1):c.*173G>A

Gene: GJA1 (gap junction protein alpha 1; plus strand). Cytogenetic location: 6q22.31.
Variant type: single nucleotide variant.
Coding change: c.*173G>A on transcript NM_000165.5 (MANE Select); 173 bases downstream of the stop codon, G replaced by A.
Molecular consequence: 3 prime UTR variant.
Genome position (GRCh38, 1-based): chr6:121,448,169, G>A. VCF-style: chr6-121448169-G-A. GRCh37 (hg19) VCF-style: chr6-121769315-G-A.
Identifiers: ClinVar variation 355167 (VCV000355167.7), dbSNP rs72548744, ClinGen allele CA10625785.
Genomic context (GRCh38, chr6:121,448,169, plus strand): 5'-TATTCATGAGGCTTAGAAAACACAAAGACATTAGAATACCTAGGTTCACTGGGGGTGTAT[G>A]GGGTAGATGGGTGGAGAGGGAGGGGATAAGAGAGGTGCATGTTGGTATTTAAAGTAGTGG-3'

ClinVar aggregate classification (germline): Benign. Review status: criteria provided, multiple submitters, no conflicts (2 of 4 stars). 4 submissions from 2 submitters: Benign (4). Last evaluated 2018-07-05.

Conditions:
Oculodentodigital dysplasia (ODDD). Also called: ODD SYNDROME; Oculodentodigital syndrome. Identifiers: Orphanet 2710, MedGen C0812437, MONDO:0008111, OMIM 164200.
Hypoplastic left heart syndrome 1 (HLHS1). Identifiers: Orphanet 2248, MedGen C4551854, MONDO:0009433, OMIM 241550.
Syndactyly type 3 (SDTY3). Also called: RING AND LITTLE FINGER SYNDACTYLY; SYNDACTYLY OF FINGERS IV AND V. Identifiers: Orphanet 93404, MedGen C1861366, MONDO:0008514, OMIM 186100.

Allele frequency attached by ClinVar (database versions not stated): TOPMed 0.03720; gnomAD 0.03954 and 0.04098; gnomAD exomes 0.04862; 1000 Genomes Project 30x 0.05387; 1000 Genomes Project 0.05631.

Submissions (4):

GeneDx
Classification: Benign. Last evaluated: 2018-07-05. Review status: criteria provided, single submitter. Criteria: GeneDx Variant Classification Process June 2021. Collection method: clinical testing. Allele origin: germline. Affected: yes.

Illumina Laboratory Services, Illumina
Classification: Benign for Hypoplastic left heart syndrome 1. Last evaluated: 2018-01-13. Review status: criteria provided, single submitter. Criteria: ICSL Variant Classification Criteria 13 December 2019. Collection method: clinical testing. Allele origin: germline.
Comment: This variant was observed in the ICSL laboratory as part of a predisposition screen in an ostensibly healthy population. It had not been previously curated by ICSL or reported in the Human Gene Mutation Database (HGMD: prior to June 1st, 2018), and was therefore a candidate for classification through an automated scoring system. Utilizing variant allele frequency, disease prevalence and penetrance estimates, and inheritance mode, an automated score was calculated to assess if this variant is too frequent to cause the disease. Based on the score and internal cut-off values, a variant classified as benign is not then subjected to further curation. The score for this variant resulted in a classification of benign for this disease.

Illumina Laboratory Services, Illumina
Classification: Benign for Oculodentodigital dysplasia. Last evaluated: 2018-01-13. Review status: criteria provided, single submitter. Criteria: ICSL Variant Classification Criteria 13 December 2019. Collection method: clinical testing. Allele origin: germline.
Comment: the same text as in the submission from Illumina Laboratory Services, Illumina above.

Illumina Laboratory Services, Illumina
Classification: Benign for Syndactyly type 3. Last evaluated: 2018-01-13. Review status: criteria provided, single submitter. Criteria: ICSL Variant Classification Criteria 13 December 2019. Collection method: clinical testing. Allele origin: germline.
Comment: the same text as in the submission from Illumina Laboratory Services, Illumina above.